The following is an entry in ClinVar:

NM_001005482.2(OR5H2):c.671C>T (p.Thr224Ile)

Gene: OR5H2 (olfactory receptor family 5 subfamily H member 2; plus strand). Cytogenetic location: 3q11.2.
Variant type: single nucleotide variant.
Coding change: c.671C>T on transcript NM_001005482.2 (MANE Select); coding-DNA position 671, C replaced by T.
Protein change: p.Thr224Ile; replaces threonine 224 with isoleucine.
Molecular consequence: missense variant.
Genome position (GRCh38, 1-based): chr3:98,283,573, C>T. VCF-style: chr3-98283573-C-T. GRCh37 (hg19) VCF-style: chr3-98002417-C-T.
Other names: c.686C>T (NM_001005482.1); short protein forms T224I.
Identifiers: ClinVar variation 2672947 (VCV002672947.24), dbSNP rs146448562, ClinGen allele CA2509674.

ClinVar aggregate classification (germline): Conflicting classifications of pathogenicity. Review status: criteria provided, conflicting classifications (1 of 4 stars). 2 submissions from 2 submitters: Uncertain significance (1); Likely benign (1). Last evaluated 2025-02-07.

Allele frequency attached by ClinVar (database versions not stated): 1000 Genomes Project 0.00020; ESP Exome Variant Server 0.00038; 1000 Genomes Project 30x 0.00047; TOPMed 0.00082; gnomAD 0.00093; ExAC 0.00105; gnomAD exomes 0.00133.

Submissions (2):

Ambry Genetics
Classification: Uncertain significance. Last evaluated: 2025-02-07. Review status: criteria provided, single submitter. Criteria: Ambry Variant Classification Scheme 2023. Collection method: clinical testing. Allele origin: germline.

CeGaT Center for Human Genetics Tuebingen
Classification: Likely benign. Last evaluated: 2023-10-01. Review status: criteria provided, single submitter. Criteria: CeGaT Center For Human Genetics Tuebingen Variant Classification Criteria Version 2. Collection method: clinical testing. Allele origin: germline. Affected: yes. Observed: 1 variant allele.
Comment: OR5H2: BP4